The following is an entry in ClinVar:

NM_000043.6(FAS):c.529C>T (p.Leu177Phe)

Gene: FAS (Fas cell surface death receptor; plus strand). Cytogenetic location: 10q23.31.
Variant type: single nucleotide variant.
Coding change: c.529C>T on transcript NM_000043.6 (MANE Select); coding-DNA position 529, C replaced by T.
Protein change: p.Leu177Phe; replaces leucine 177 with phenylalanine.
Molecular consequence: missense variant. On other transcripts: non-coding transcript variant (5), intron variant (1).
Genome position (GRCh38, 1-based): chr10:89,010,776, C>T. VCF-style: chr10-89010776-C-T. GRCh37 (hg19) VCF-style: chr10-90770533-C-T.
Other names: c.529C>T, p.Leu177Phe (NM_001320619.2, NM_152872.4); c.574C>T, p.Leu192Phe (NM_001410956.1); c.505+176C>T (NM_152871.4); short protein forms L177F, L192F.
Identifiers: ClinVar variation 2187412 (VCV002187412.4), dbSNP rs1169657584, ClinGen allele CA377509111.

ClinVar aggregate classification (germline): Uncertain significance (1 of 4 stars; one submission).

Conditions:
Autoimmune lymphoproliferative syndrome type 1. Also called: AUTOIMMUNE LYMPHOPROLIFERATIVE SYNDROME, TYPE I, AUTOSOMAL DOMINANT. Identifiers: Orphanet 3261, MedGen C2717884, MONDO:0011158, OMIM 601859.

Allele frequency attached by ClinVar (database versions not stated): gnomAD exomes below 0.00001; TOPMed 0.00001.
gnomAD v4.1: 5 of 1,614,066 alleles (0.00031%); highest among the groups gnomAD compares: Non-Finnish European, 0.00042%; no homozygotes.

Submission:

Labcorp Genetics (formerly Invitae), Labcorp
Classification: Uncertain significance for Autoimmune lymphoproliferative syndrome. Last evaluated: 2022-08-31. Review status: criteria provided, single submitter. Criteria: Invitae Variant Classification Sherloc (09022015). Collection method: clinical testing. Allele origin: germline.
Comment: In summary, the available evidence is currently insufficient to determine the role of this variant in disease. Therefore, it has been classified as a Variant of Uncertain Significance. Algorithms developed to predict the effect of missense changes on protein structure and function output the following: SIFT: "Not Available"; PolyPhen-2: "Benign"; Align-GVGD: "Not Available". The phenylalanine amino acid residue is found in multiple mammalian species, which suggests that this missense change does not adversely affect protein function. This variant has not been reported in the literature in individuals affected with FAS-related conditions. This variant is not present in population databases (gnomAD no frequency). This sequence change replaces leucine, which is neutral and non-polar, with phenylalanine, which is neutral and non-polar, at codon 177 of the FAS protein (p.Leu177Phe).